The following is an entry in ClinVar:

NM_006947.4(SRP72):c.592A>G (p.Ile198Val)

Gene: SRP72 (signal recognition particle 72; plus strand). Cytogenetic location: 4q12.
Variant type: single nucleotide variant.
Coding change: c.592A>G on transcript NM_006947.4 (MANE Select); coding-DNA position 592, A replaced by G.
Protein change: p.Ile198Val; replaces isoleucine 198 with valine.
Molecular consequence: missense variant. On other transcripts: non-coding transcript variant (1).
Genome position (GRCh38, 1-based): chr4:56,474,373, A>G. VCF-style: chr4-56474373-A-G. GRCh37 (hg19) VCF-style: chr4-57340539-A-G.
Other names: c.592A>G, p.Ile198Val (NM_001267722.2); short protein forms I198V.
Identifiers: ClinVar variation 3364894 (VCV003364894.2).

ClinVar aggregate classification (germline): Uncertain significance. Review status: criteria provided, multiple submitters, no conflicts (2 of 4 stars). 2 submissions from 2 submitters: Uncertain significance (2). Last evaluated 2025-01-22.

Submissions (2):

Ambry Genetics
Classification: Uncertain significance. Last evaluated: 2025-01-22. Review status: criteria provided, single submitter. Criteria: Ambry Variant Classification Scheme 2023. Collection method: clinical testing. Allele origin: germline.
Comment: The p.I198V variant (also known as c.592A>G), located in coding exon 5 of the SRP72 gene, results from an A to G substitution at nucleotide position 592. The isoleucine at codon 198 is replaced by valine, an amino acid with highly similar properties. This amino acid position is conserved. In addition, this alteration is predicted to be tolerated by in silico analysis. Based on the available evidence, the clinical significance of this variant remains unclear.

GeneDx
Classification: Uncertain significance. Last evaluated: 2023-11-26. Review status: criteria provided, single submitter. Criteria: GeneDx Variant Classification Process June 2021. Collection method: clinical testing. Allele origin: germline. Affected: yes.
Comment: Not observed at significant frequency in large population cohorts (gnomAD); In silico analysis supports that this missense variant does not alter protein structure/function; Has not been previously published as pathogenic or benign to our knowledge